The following is an entry in ClinVar:

NM_052947.4(ALPK2):c.3785C>T (p.Ser1262Leu)

Genes: ALPK2 (alpha kinase 2; minus strand), LOC126862764 (BRD4-independent group 4 enhancer GRCh37_chr18:56202574-56203773; plus strand). Cytogenetic location: 18q21.31.
Variant type: single nucleotide variant.
Coding change: c.3785C>T on transcript NM_052947.4 (MANE Select); coding-DNA position 3785, C replaced by T.
Protein change: p.Ser1262Leu; replaces serine 1262 with leucine.
Molecular consequence: missense variant.
Genome position (GRCh38, 1-based): chr18:58,536,402, G>A on the plus strand (C>T on the coding strand, the complement: ALPK2 is on the minus strand). VCF-style: chr18-58536402-G-A. GRCh37 (hg19) VCF-style: chr18-56203634-G-A.
Other names: short protein forms S1262L.
Identifiers: ClinVar variation 2450984 (VCV002450984.2), dbSNP rs1304343757, ClinGen allele CA402565633.
Genomic context (GRCh38, chr18:58,536,402, plus strand): 5'-TCTGCCTTTAGACTATCAGGTACAGCCCAGACCTTGTCAGGAATTATGAGACCACCGTCT[G>A]ATGCCTTGCTCTCAGAATTTGTCAGTTGTCGTGGTGGCCAGATTTCAGAAGCGGAAGCCT-3'
Protein context (NP_443179.3, residues 1252-1272): RQLTNSESKA[Ser1262Leu]DGGLIIPDKV

ClinVar aggregate classification (germline): Uncertain significance (1 of 4 stars; one submission).

Allele frequency attached by ClinVar (database versions not stated): TOPMed below 0.00001.
gnomAD v4.1: 31 of 1,614,206 alleles (0.0019%); highest among the groups gnomAD compares: Non-Finnish European, 0.0025%; no homozygotes.

Submission:

Ambry Genetics
Classification: Uncertain significance. Last evaluated: 2023-03-10. Review status: criteria provided, single submitter. Criteria: Ambry Variant Classification Scheme 2023. Collection method: clinical testing. Allele origin: germline.
Comment: The p.S1262L variant (also known as c.3785C>T), located in coding exon 4 of the ALPK2 gene, results from a C to T substitution at nucleotide position 3785. The serine at codon 1262 is replaced by leucine, an amino acid with dissimilar properties. This amino acid position is conserved. In addition, this alteration is predicted to be tolerated by in silico analysis. Since supporting evidence is limited at this time, the clinical significance of this alteration remains unclear.